The following is an entry in ClinVar:

NM_003611.3(OFD1):c.2904_2906dup (p.Gln969_Asp970insGln)

Gene: OFD1 (OFD1 centriole and centriolar satellite protein; plus strand). Cytogenetic location: Xp22.2.
Variant type: Duplication.
Coding change: c.2904_2906dup on transcript NM_003611.3 (MANE Select); coding-DNA positions 2904 to 2906, 3 bases duplicated (GCA; older notation c.2904_2906dupGCA).
Protein change: p.Gln969_Asp970insGln.
Molecular consequence: inframe insertion.
Genome position (GRCh38, 1-based): chrX:13,768,200-13,768,202, GCA duplicated; duplicating any 3 consecutive bases within chrX:13,768,199-13,768,202 gives the same sequence; the c. name uses the placement nearest the transcript's 3' end. VCF-style (leftmost placement, unchanged base first): chrX-13768198-G-GAGC. GRCh37 (hg19) VCF-style: chrX-13786317-G-GAGC.
Other names: c.2784_2786dup, p.Gln929_Asp930insGln (NM_001330209.2); c.2484_2486dup, p.Gln829_Asp830insGln (NM_001330210.2).
Identifiers: ClinVar variation 1987928 (VCV001987928.4), dbSNP rs1300239725, ClinGen allele CA640492423.

ClinVar aggregate classification (germline): Uncertain significance (1 of 4 stars; one submission).

Conditions:
Joubert syndrome. Also called: CEREBELLOPARENCHYMAL DISORDER IV; JOUBERT-BOLTSHAUSER SYNDROME; Familial aplasia of the vermis. Identifiers: Orphanet 475, MedGen C5979921, MONDO:0018772.
Orofaciodigital syndrome I (OFD1). Also called: OFDS I; Papillon-Leage and Psaume Syndrome; Oral-Facial-Digital Syndrome Type I. Identifiers: Orphanet 2750, MedGen C1510460, MONDO:0010702, OMIM 311200.

Submission:

Labcorp Genetics (formerly Invitae), Labcorp
Classification: Uncertain significance for Orofaciodigital syndrome I; Joubert syndrome. Last evaluated: 2024-10-16. Review status: criteria provided, single submitter. Criteria: Invitae Variant Classification Sherloc (09022015). Collection method: clinical testing. Allele origin: germline.
Comment: This variant, c.2904_2906dup, results in the insertion of 1 amino acid(s) of the OFD1 protein (p.Gln969dup), but otherwise preserves the integrity of the reading frame. This variant is present in population databases (no rsID available, gnomAD 0.01%). This variant has not been reported in the literature in individuals affected with OFD1-related conditions. ClinVar contains an entry for this variant (Variation ID: 1987928). Experimental studies and prediction algorithms are not available or were not evaluated, and the functional significance of this variant is currently unknown. In summary, the available evidence is currently insufficient to determine the role of this variant in disease. Therefore, it has been classified as a Variant of Uncertain Significance.